The following is an entry in ClinVar:

NM_005027.4(PIK3R2):c.-6G>A

Gene: PIK3R2 (phosphoinositide-3-kinase regulatory subunit 2; plus strand). Cytogenetic location: 19p13.11.
Variant type: single nucleotide variant.
Coding change: c.-6G>A on transcript NM_005027.4 (MANE Select); 6 bases upstream of the start codon, G replaced by A.
Molecular consequence: 5 prime UTR variant. On other transcripts: non-coding transcript variant (2).
Genome position (GRCh38, 1-based): chr19:18,155,874, G>A. VCF-style: chr19-18155874-G-A. GRCh37 (hg19) VCF-style: chr19-18266684-G-A.
Identifiers: ClinVar variation 4853729 (VCV004853729.1).

ClinVar aggregate classification (germline): Uncertain significance (1 of 4 stars; one submission).

gnomAD v4.1: 22 of 1,537,356 alleles (0.0014%); highest among the groups gnomAD compares: African/African-American, 0.011%; no homozygotes.

Submission:

Women's Health and Genetics/Laboratory Corporation of America, LabCorp
Classification: Uncertain significance. Last evaluated: 2026-05-21. Review status: criteria provided, single submitter. Criteria: LabCorp Variant Classification Summary - May 2015. Collection method: clinical testing. Allele origin: germline.
Comment: Variant summary: PIK3R2 c.-6G>A is located in the untranslated mRNA region upstream of the initiation codon. The variant allele was found at a frequency of 3.5e-05 in 141232 control chromosomes. The available data on variant occurrences in the general population are insufficient to allow any conclusion about variant significance. To our knowledge, no occurrence of c.-6G>A in individuals affected with PIK3R2-related conditions and no experimental evidence demonstrating its impact on protein function have been reported. No submitters have cited clinical-significance assessments for this variant to ClinVar. Based on the evidence outlined above, the variant was classified as uncertain significance.